The following is an entry in ClinVar:

NM_001354604.2(MITF):c.1179+2T>C

Gene: MITF (melanocyte inducing transcription factor; plus strand). Cytogenetic location: 3p13.
Variant type: single nucleotide variant.
Coding change: c.1179+2T>C on transcript NM_001354604.2 (MANE Select); the canonical splice donor site of the intron after coding-DNA position 1179, T replaced by C.
Molecular consequence: splice donor variant.
Genome position (GRCh38, 1-based): chr3:69,959,422, T>C. VCF-style: chr3-69959422-T-C. GRCh37 (hg19) VCF-style: chr3-70008573-T-C.
Other names: c.1110+2T>C (NM_001354607.2); c.1005+2T>C (NM_001354608.2, NM_001184967.2); c.1161+2T>C (NM_198159.3); c.1176+2T>C (NM_001354605.2); c.1158+2T>C (NM_001354606.2, NM_006722.3); c.1113+2T>C (NM_198177.3); c.858+2T>C (NM_000248.4); c.840+2T>C (NM_198158.3); and 1 more.
Identifiers: ClinVar variation 3755923 (VCV003755923.2).

ClinVar aggregate classification (germline): Pathogenic (1 of 4 stars; one submission).

Conditions:
Tietz syndrome (TADS). Also called: HYPOPIGMENTATION/DEAFNESS OF TIETZ; TIETZ ALBINISM-DEAFNESS SYNDROME; ALBINISM-DEAFNESS OF TIETZ. Identifiers: Orphanet 42665, MedGen C0391816, MONDO:0007077, OMIM 103500.
Waardenburg syndrome type 2A (WS2A). Also called: WAARDENBURG SYNDROME WITHOUT DYSTOPIA CANTHORUM. Identifiers: Orphanet 3440, MedGen C1860339, MONDO:0008671, OMIM 193510.
Melanoma, cutaneous malignant, susceptibility to, 8. Also called: MELANOMA AND RENAL CELL CARCINOMA, SUSCEPTIBILITY TO; Cutaneous malignant melanoma 8. Identifiers: Orphanet 293822, MedGen C3152204, MONDO:0013759, OMIM 614456.

Submission:

Labcorp Genetics (formerly Invitae), Labcorp
Classification: Pathogenic for Melanoma, cutaneous malignant, susceptibility to, 8; Waardenburg syndrome type 2A; Tietz syndrome. Last evaluated: 2024-04-18. Review status: criteria provided, single submitter. Criteria: Invitae Variant Classification Sherloc (09022015). Collection method: clinical testing. Allele origin: germline.
Comment: This sequence change affects a donor splice site in intron 8 of the MITF gene. While this variant is not anticipated to result in nonsense mediated decay, it likely alters RNA splicing and results in a disrupted protein product. This variant is not present in population databases (gnomAD no frequency). This variant has not been reported in the literature in individuals affected with MITF-related conditions. Variants that disrupt the consensus splice site are a relatively common cause of aberrant splicing (PMID: 17576681, 9536098). Algorithms developed to predict the effect of sequence changes on RNA splicing suggest that this variant may disrupt the consensus splice site. This variant disrupts a region of the MITF protein in which other variant(s) (p.Arg293*) have been determined to be pathogenic (PMID: 28690485, 34142234, 34997062). This suggests that this is a clinically significant region of the protein, and that variants that disrupt it are likely to be disease-causing. For these reasons, this variant has been classified as Pathogenic.

Literature cited by the submitters: PubMed 17576681; PubMed 9536098; PubMed 28690485; PubMed 34142234; PubMed 34997062.